The following is an entry in ClinVar:

NM_000587.4(C7):c.1064A>G (p.Glu355Gly)

Gene: C7 (complement C7; plus strand). Cytogenetic location: 5p13.1.
Variant type: single nucleotide variant.
Coding change: c.1064A>G on transcript NM_000587.4 (MANE Select); coding-DNA position 1064, A replaced by G.
Protein change: p.Glu355Gly; replaces glutamic acid 355 with glycine.
Molecular consequence: missense variant.
Genome position (GRCh38, 1-based): chr5:40,949,985, A>G. VCF-style: chr5-40949985-A-G. GRCh37 (hg19) VCF-style: chr5-40950087-A-G.
Other names: short protein forms E355G.
Identifiers: ClinVar variation 2135425 (VCV002135425.4), dbSNP rs762030873, ClinGen allele CA3249822.

ClinVar aggregate classification (germline): Uncertain significance (1 of 4 stars; one submission).

Allele frequency attached by ClinVar (database versions not stated): ExAC 0.00002.

Submission:

Labcorp Genetics (formerly Invitae), Labcorp
Classification: Uncertain significance. Last evaluated: 2022-08-24. Review status: criteria provided, single submitter. Criteria: Invitae Variant Classification Sherloc (09022015). Collection method: clinical testing. Allele origin: germline.
Comment: This variant has not been reported in the literature in individuals affected with C7-related conditions. Algorithms developed to predict the effect of missense changes on protein structure and function are either unavailable or do not agree on the potential impact of this missense change (SIFT: "Deleterious"; PolyPhen-2: "Benign"; Align-GVGD: "Class C0"). In summary, the available evidence is currently insufficient to determine the role of this variant in disease. Therefore, it has been classified as a Variant of Uncertain Significance. This sequence change replaces glutamic acid, which is acidic and polar, with glycine, which is neutral and non-polar, at codon 355 of the C7 protein (p.Glu355Gly). This variant is present in population databases (rs762030873, gnomAD 0.001%).